The following is an entry in ClinVar:

ClinVar aggregate classification (germline): Uncertain significance (1 of 4 stars; one submission).

Conditions:
Congenital sideroblastic anemia-B-cell immunodeficiency-periodic fever-developmental delay syndrome. Also called: Sideroblastic anemia with B-cell immunodeficiency, periodic fevers, and developmental delay. Identifiers: Orphanet 369861, MedGen C4015172, MONDO:0014487, OMIM 616084.

Allele frequency attached by ClinVar (database versions not stated): gnomAD exomes below 0.00001; TOPMed below 0.00001.
gnomAD v4.1: 4 of 1,613,518 alleles (0.00025%); highest among the groups gnomAD compares: Non-Finnish European, 0.00034%; no homozygotes.

Submission:

Labcorp Genetics (formerly Invitae), Labcorp
Classification: Uncertain significance for Congenital sideroblastic anemia-B-cell immunodeficiency-periodic fever-developmental delay syndrome. Last evaluated: 2022-07-12. Review status: criteria provided, single submitter. Criteria: Invitae Variant Classification Sherloc (09022015). Collection method: clinical testing. Allele origin: germline.
Comment: This sequence change replaces arginine, which is basic and polar, with glutamine, which is neutral and polar, at codon 99 of the TRNT1 protein (p.Arg99Gln). In summary, the available evidence is currently insufficient to determine the role of this variant in disease. Therefore, it has been classified as a Variant of Uncertain Significance. Algorithms developed to predict the effect of sequence changes on RNA splicing suggest that this variant may create or strengthen a splice site. Algorithms developed to predict the effect of missense changes on protein structure and function are either unavailable or do not agree on the potential impact of this missense change (SIFT: "Deleterious"; PolyPhen-2: "Probably Damaging"; Align-GVGD: "Class C0"). ClinVar contains an entry for this variant (Variation ID: 1367284). This variant has not been reported in the literature in individuals affected with TRNT1-related conditions. This variant is not present in population databases (gnomAD no frequency).

NM_182916.3(TRNT1):c.296G>A (p.Arg99Gln)

Gene: TRNT1 (tRNA nucleotidyl transferase 1; plus strand). Cytogenetic location: 3p26.2.
Variant type: single nucleotide variant.
Coding change: c.296G>A on transcript NM_182916.3 (MANE Select); coding-DNA position 296, G replaced by A.
Protein change: p.Arg99Gln; replaces arginine 99 with glutamine.
Molecular consequence: missense variant. On other transcripts: non-coding transcript variant (8).
Genome position (GRCh38, 1-based): chr3:3,137,407, G>A. VCF-style: chr3-3137407-G-A. GRCh37 (hg19) VCF-style: chr3-3179091-G-A.
Other names: c.296G>A, p.Arg99Gln (NM_001302946.2, NM_001367321.1, NM_001367322.1 and 1 more transcripts); short protein forms R99Q.
Identifiers: ClinVar variation 1367284 (VCV001367284.4), dbSNP rs1392135239, ClinGen allele CA351443240.
Genomic context (GRCh38, chr3:3,137,407, plus strand): 5'-ATTTTGCCACCACTGCTACCCCTACTCAAATGAAGGAGATGTTTCAGTCGGCTGGGATTC[G>A]GATGATAAACAACAGAGGAGAAAAGCACGGAACAATTACTGCCAGGGTGAGTCAAAAGTT-3'
Protein context (NP_886552.3, residues 89-109): MKEMFQSAGI[Arg99Gln]MINNRGEKHG